The following is an entry in ClinVar:

NM_000553.6(WRN):c.4114A>G (p.Arg1372Gly)

Gene: WRN (WRN RecQ like helicase; plus strand). Cytogenetic location: 8p12.
Variant type: single nucleotide variant.
Coding change: c.4114A>G on transcript NM_000553.6 (MANE Select); coding-DNA position 4114, A replaced by G.
Protein change: p.Arg1372Gly; replaces arginine 1372 with glycine.
Molecular consequence: missense variant.
Genome position (GRCh38, 1-based): chr8:31,167,153, A>G. VCF-style: chr8-31167153-A-G. GRCh37 (hg19) VCF-style: chr8-31024669-A-G.
Other names: short protein forms R1372G.
Identifiers: ClinVar variation 458477 (VCV000458477.7), dbSNP rs1353846692, ClinGen allele CA370909631.
Genomic context (GRCh38, chr8:31,167,153, plus strand): 5'-ATTGAGATCCTTAAACATGGTCCTGACAGCGGACTTCAACCTTCATGTGATGTCAACAAA[A>G]GGAGATGTTTTCCCGGTTCTGAAGAGATCTGTTCAAGTTCTAAGAGAAGCAAGGAAGAAG-3'
Protein context (NP_000544.2, residues 1362-1382): GLQPSCDVNK[Arg1372Gly]RCFPGSEEIC

ClinVar aggregate classification (germline): Uncertain significance (1 of 4 stars; one submission).

Conditions:
Werner syndrome (WRN). Identifiers: Orphanet 902, MedGen C0043119, MONDO:0010196, OMIM 277700.

Allele frequency attached by ClinVar (database versions not stated): gnomAD exomes below 0.00001.
gnomAD v4.1: 6 of 1,613,376 alleles (0.00037%); highest among the groups gnomAD compares: Non-Finnish European, 0.00051%; no homozygotes.

Submission:

Labcorp Genetics (formerly Invitae), Labcorp
Classification: Uncertain significance for Werner syndrome. Last evaluated: 2025-06-02. Review status: criteria provided, single submitter. Criteria: Invitae Variant Classification Sherloc (09022015). Collection method: clinical testing. Allele origin: germline.
Comment: This sequence change replaces arginine, which is basic and polar, with glycine, which is neutral and non-polar, at codon 1372 of the WRN protein (p.Arg1372Gly). This variant is present in population databases (no rsID available, gnomAD 0.0009%). This variant has not been reported in the literature in individuals affected with WRN-related conditions. ClinVar contains an entry for this variant (Variation ID: 458477). An algorithm developed to predict the effect of missense changes on protein structure and function (PolyPhen-2) suggests that this variant is likely to be tolerated. In summary, the available evidence is currently insufficient to determine the role of this variant in disease. Therefore, it has been classified as a Variant of Uncertain Significance.